The following is an entry in ClinVar:

ClinVar aggregate classification (germline): Likely benign. Review status: reviewed by expert panel (3 of 4 stars). 2 submissions from 2 submitters: Likely benign (1). 1 of the submissions does not count toward it. Last evaluated 2026-04-29.

Conditions:
Hereditary thrombocytopenia and hematologic cancer predisposition syndrome. Identifiers: Orphanet 71290, MedGen CN281654, MONDO:0011071.
Inborn genetic diseases. Identifiers: MedGen C0950123, MeSH D030342.

gnomAD v4.1: 1 of 1,612,966 alleles (0.000062%); highest among the groups gnomAD compares: African/African-American, 0.0013%; no homozygotes.

Submissions (2):

ClinGen Myeloid Malignancy Variant Curation Expert Panel
Classification: Likely benign for Hereditary thrombocytopenia and hematologic cancer predisposition syndrome. Last evaluated: 2026-04-29. Review status: reviewed by expert panel. Criteria: ClinGen MyeloMalig ACMG Specifications V3.1. Collection method: curation. Allele origin: germline. Inheritance: Autosomal dominant inheritance.
Comment: NM_001754.5(RUNX1):c.690G>A (p.Gln230=) is a synonymous variant which has a SpliceAI score ≤ 0.20 (0.00) (BP4, BP7). This variant has a MAF ≤ 0.00005 in gnomAD v4 across all subpopulations with at least 20x coverage for RUNX1 (PM2_supporting). In summary, this variant meets criteria to be classified as likely benign. ACMG/AMP criteria applied, as specified by the Myeloid Malignancy Variant Curation Expert Panel for RUNX1: BP4, BP7, PM2_supporting.

Ambry Genetics
Classification: Likely benign for Inborn genetic diseases. Last evaluated: 2025-01-20. Review status: criteria provided, single submitter. Criteria: Ambry Variant Classification Scheme 2023. Collection method: clinical testing. Allele origin: germline. Not counted in ClinVar's aggregate classification.

NM_001754.5(RUNX1):c.690G>A (p.Gln230=)

Gene: RUNX1 (RUNX family transcription factor 1; minus strand). Cytogenetic location: 21q22.12.
Variant type: single nucleotide variant.
Coding change: c.690G>A on transcript NM_001754.5 (MANE Select); coding-DNA position 690, G replaced by A.
Protein change: p.Gln230=; no amino-acid change (glutamine 230 retained).
Molecular consequence: synonymous variant.
Genome position (GRCh38, 1-based): chr21:34,834,525, C>T on the plus strand (G>A on the coding strand, the complement: RUNX1 is on the minus strand). VCF-style: chr21-34834525-C-T. GRCh37 (hg19) VCF-style: chr21-36206822-C-T.
Other names: NM_001754.5(RUNX1):c.690G>A; p.Gln230=; c.609G>A, p.Gln203= (NM_001001890.3, NM_001122607.2).
Identifiers: ClinVar variation 3791481 (VCV003791481.3).